The following is an entry in ClinVar:

ClinVar aggregate classification (germline): Uncertain significance (1 of 4 stars; one submission).

Conditions:
Neurodevelopmental disorder with or without hyperkinetic movements and seizures, autosomal dominant. Also called: Intellectual disability, autosomal dominant 8. Identifiers: MedGen C3280282, MONDO:0013655, OMIM 614254.

Submission:

Labcorp Genetics (formerly Invitae), Labcorp
Classification: Uncertain significance for Neurodevelopmental disorder with or without hyperkinetic movements and seizures, autosomal dominant. Last evaluated: 2022-07-06. Review status: criteria provided, single submitter. Criteria: Invitae Variant Classification Sherloc (09022015). Collection method: clinical testing. Allele origin: germline.
Comment: In summary, the available evidence is currently insufficient to determine the role of this variant in disease. Therefore, it has been classified as a Variant of Uncertain Significance. Algorithms developed to predict the effect of sequence changes on RNA splicing suggest that this variant may create or strengthen a splice site. Algorithms developed to predict the effect of missense changes on protein structure and function are either unavailable or do not agree on the potential impact of this missense change (SIFT: "Deleterious"; PolyPhen-2: "Possibly Damaging"; Align-GVGD: "Class C0"). This variant has not been reported in the literature in individuals affected with GRIN1-related conditions. This variant is not present in population databases (gnomAD no frequency). This sequence change replaces glutamic acid, which is acidic and polar, with lysine, which is basic and polar, at codon 188 of the GRIN1 protein (p.Glu188Lys).

NM_007327.4(GRIN1):c.562G>A (p.Glu188Lys)

Gene: GRIN1 (glutamate ionotropic receptor NMDA type subunit 1; plus strand). Cytogenetic location: 9q34.3.
Variant type: single nucleotide variant.
Coding change: c.562G>A on transcript NM_007327.4 (MANE Select); coding-DNA position 562, G replaced by A.
Protein change: p.Glu188Lys; replaces glutamic acid 188 with lysine.
Molecular consequence: missense variant.
Genome position (GRCh38, 1-based): chr9:137,145,894, G>A. VCF-style: chr9-137145894-G-A. GRCh37 (hg19) VCF-style: chr9-140040346-G-A.
Other names: c.562G>A, p.Glu188Lys (NM_000832.7, NM_001185090.2, NM_001185091.2 and 1 more transcripts); short protein forms E188K.
Identifiers: ClinVar variation 2064052 (VCV002064052.4), dbSNP rs1380485121, ClinGen allele CA375714189.